The following is an entry in ClinVar:

NM_015030.2(FRYL):c.2557_2558insAA (p.Thr853fs)

Gene: FRYL (FRY like transcription coactivator; minus strand). Cytogenetic location: 4p11.
Variant type: Insertion.
Coding change: c.2557_2558insAA on transcript NM_015030.2 (MANE Select); coding-DNA positions 2557 to 2558, AA inserted.
Protein change: p.Thr853fs; shifts the reading frame from threonine 853.
Molecular consequence: frameshift variant.
Genome position: GRCh38 VCF-style: chr4-48576193-G-GTT. GRCh37 (hg19) VCF-style: chr4-48578210-G-GTT.
Other names: short protein forms T853fs.
Identifiers: ClinVar variation 667237 (VCV000667237.5), dbSNP rs1578191374, ClinGen allele CA915943067.

ClinVar aggregate classification (germline): Uncertain significance (1 of 4 stars; one submission).

Submission:

Laboratory for Molecular Medicine, Mass General Brigham Personalized Medicine
Classification: Uncertain significance. Last evaluated: 2019-03-01. Review status: criteria provided, single submitter. Criteria: LMM Criteria. Collection method: clinical testing. Allele origin: germline. Observed: 1 variant allele.
Comment: The p.Thr853LysfsX17 variant in FRYL has not been previously reported in the literature and was absent from large population studies. This variant is predicted to cause a frameshift, which alters the proteinâ€™s amino acid sequence beginning at position 853 and leads to a premature termination codon 17 amino acids downstream. This alteration is then predicted to lead to a truncated or absent protein. It should be noted that this predicted loss-of-function (LOF) variant falls in an alternatively spliced exon that is not present in the most highly-expressed FRYL transcripts. However, at least 3 other LOF variants that are not predicted to impact the most abundant transcripts have occurred de novo in individuals with autism (DDDS 2015, DDDS 2017, Kosmicki 2017). Therefore, at this time there is insufficient data to establish which FRYL transcripts are biologically significant. Finally, although this gene is highly constrained for LOF variation, the clinical significance of loss of FRYL function has not been definitively established. In summary, the clinical significance of the p.Thr853LysfsX17 variant is uncertain.